The following is an entry in ClinVar:

NM_031935.3(HMCN1):c.8749G>A (p.Asp2917Asn)

Gene: HMCN1 (hemicentin 1; plus strand). Cytogenetic location: 1q31.1.
Variant type: single nucleotide variant.
Coding change: c.8749G>A on transcript NM_031935.3 (MANE Select); coding-DNA position 8749, G replaced by A.
Protein change: p.Asp2917Asn; replaces aspartic acid 2917 with asparagine.
Molecular consequence: missense variant.
Genome position (GRCh38, 1-based): chr1:186,081,356, G>A. VCF-style: chr1-186081356-G-A. GRCh37 (hg19) VCF-style: chr1-186050488-G-A.
Other names: c.8749G>A (NM_031935.2); short protein forms D2917N.
Identifiers: ClinVar variation 2116619 (VCV002116619.5), dbSNP rs2527860973, ClinGen allele CA343915786.

ClinVar aggregate classification (germline): Uncertain significance. Review status: criteria provided, multiple submitters, no conflicts (2 of 4 stars). 2 submissions from 2 submitters: Uncertain significance (2). Last evaluated 2023-12-09.

Submissions (2):

Ambry Genetics
Classification: Uncertain significance. Last evaluated: 2023-12-09. Review status: criteria provided, single submitter. Criteria: Ambry Variant Classification Scheme 2023. Collection method: clinical testing. Allele origin: germline.

Labcorp Genetics (formerly Invitae), Labcorp
Classification: Uncertain significance. Last evaluated: 2023-05-23. Review status: criteria provided, single submitter. Criteria: Invitae Variant Classification Sherloc (09022015). Collection method: clinical testing. Allele origin: germline.
Comment: In summary, the available evidence is currently insufficient to determine the role of this variant in disease. Therefore, it has been classified as a Variant of Uncertain Significance. An algorithm developed to predict the effect of missense changes on protein structure and function (PolyPhen-2) suggests that this variant is likely to be tolerated. ClinVar contains an entry for this variant (Variation ID: 2116619). This variant has not been reported in the literature in individuals affected with HMCN1-related conditions. This variant is not present in population databases (gnomAD no frequency). This sequence change replaces aspartic acid, which is acidic and polar, with asparagine, which is neutral and polar, at codon 2917 of the HMCN1 protein (p.Asp2917Asn).